The following is an entry in ClinVar:

NM_006901.4(MYO9A):c.4293A>G (p.Thr1431=)

Gene: MYO9A (myosin IXA; minus strand). Cytogenetic location: 15q23.
Variant type: single nucleotide variant.
Coding change: c.4293A>G on transcript NM_006901.4 (MANE Select); coding-DNA position 4293, A replaced by G.
Protein change: p.Thr1431=; no amino-acid change (threonine 1431 retained).
Molecular consequence: synonymous variant.
Genome position (GRCh38, 1-based): chr15:71,898,210, T>C on the plus strand (A>G on the coding strand, the complement: MYO9A is on the minus strand). VCF-style: chr15-71898210-T-C. GRCh37 (hg19) VCF-style: chr15-72190551-T-C.
Identifiers: ClinVar variation 3033766 (VCV003033766.2), dbSNP rs1212332796, ClinGen allele CA491469982.

ClinVar aggregate classification (germline): Likely benign (0 of 4 stars; one submission).

Conditions:
MYO9A-related disorder. Also called: MYO9A-related condition.

Allele frequency attached by ClinVar (database versions not stated): gnomAD exomes below 0.00001; TOPMed below 0.00001; gnomAD 0.00001.
gnomAD v4.1: 2 of 1,614,030 alleles (0.00012%); highest among the groups gnomAD compares: African/African-American, 0.0013%; no homozygotes.

Submission:

PreventionGenetics, part of Exact Sciences
Classification: Likely benign for MYO9A-related condition. Last evaluated: 2019-06-19. Review status: no assertion criteria provided. Collection method: clinical testing. Allele origin: germline.
Comment: This variant is classified as likely benign based on ACMG/AMP sequence variant interpretation guidelines (Richards et al. 2015 PMID: 25741868, with internal and published modifications).